The following is an entry in ClinVar:

NM_000431.4(MVK):c.965C>G (p.Thr322Ser)

Gene: MVK (mevalonate kinase; plus strand). Cytogenetic location: 12q24.11.
Variant type: single nucleotide variant.
Coding change: c.965C>G on transcript NM_000431.4 (MANE Select); coding-DNA position 965, C replaced by G.
Protein change: p.Thr322Ser; replaces threonine 322 with serine.
Molecular consequence: missense variant.
Genome position (GRCh38, 1-based): chr12:109,595,107, C>G. VCF-style: chr12-109595107-C-G. GRCh37 (hg19) VCF-style: chr12-110032912-C-G.
Other names: c.965C>G, p.Thr322Ser (NM_001114185.3); c.809C>G, p.Thr270Ser (NM_001301182.2); short protein forms T322S, T270S.
Identifiers: ClinVar variation 97638 (VCV000097638.2), dbSNP rs104895367, ClinGen allele CA149930.

ClinVar aggregate classification (germline): Uncertain significance. Review status: criteria provided, single submitter (1 of 4 stars). 2 submissions from 2 submitters: Uncertain significance (1). 1 of the submissions does not count toward it. Last evaluated 2019-11-20.

Conditions:
Hyperimmunoglobulin D with periodic fever (HIDS). Also called: HYPERIMMUNOGLOBULINEMIA D AND PERIODIC FEVER SYNDROME; Hyperimmunoglobulinemia D with periodic fever; Hyperimmunoglobulinemia D. Identifiers: Orphanet 343, MedGen C0398691, MONDO:0009849, OMIM 260920.

Submissions (2):

Blueprint Genetics
Classification: Uncertain significance. Last evaluated: 2019-11-20. Review status: criteria provided, single submitter. Criteria: ACMG Guidelines, 2015. Collection method: clinical testing. Allele origin: germline.

Unité médicale des maladies autoinflammatoires, CHRU Montpellier
No classification provided. Condition: Hyperimmunoglobulin D with periodic fever. Review status: no classification provided. Collection method: not provided. Allele origin: unknown. Not counted in ClinVar's aggregate classification.
Comment: also involved in OMIM 25117